The following is an entry in ClinVar:

ClinVar aggregate classification (germline): Uncertain significance (1 of 4 stars; one submission).

gnomAD v4.1: 1 of 1,613,820 alleles (0.000062%); highest among the groups gnomAD compares: Admixed American, 0.0017%; no homozygotes.

Submission:

Labcorp Genetics (formerly Invitae), Labcorp
Classification: Uncertain significance. Last evaluated: 2023-12-31. Review status: criteria provided, single submitter. Criteria: Invitae Variant Classification Sherloc (09022015). Collection method: clinical testing. Allele origin: germline.
Comment: This sequence change replaces isoleucine, which is neutral and non-polar, with leucine, which is neutral and non-polar, at codon 324 of the SLC41A1 protein (p.Ile324Leu). This variant is present in population databases (no rsID available, gnomAD 0.003%). This variant has not been reported in the literature in individuals affected with SLC41A1-related conditions. An algorithm developed to predict the effect of missense changes on protein structure and function (PolyPhen-2) suggests that this variant is likely to be disruptive. In summary, the available evidence is currently insufficient to determine the role of this variant in disease. Therefore, it has been classified as a Variant of Uncertain Significance.

NM_173854.6(SLC41A1):c.970A>C (p.Ile324Leu)

Gene: SLC41A1 (solute carrier family 41 member 1; minus strand). Cytogenetic location: 1q32.1.
Variant type: single nucleotide variant.
Coding change: c.970A>C on transcript NM_173854.6 (MANE Select); coding-DNA position 970, A replaced by C.
Protein change: p.Ile324Leu; replaces isoleucine 324 with leucine.
Molecular consequence: missense variant.
Genome position (GRCh38, 1-based): chr1:205,797,926, T>G on the plus strand (A>C on the coding strand, the complement: SLC41A1 is on the minus strand). VCF-style: chr1-205797926-T-G. GRCh37 (hg19) VCF-style: chr1-205767054-T-G.
Other names: short protein forms I324L.
Identifiers: ClinVar variation 2840776 (VCV002840776.3), dbSNP rs771097997, ClinGen allele CA344432599.